The following is an entry in ClinVar:

ClinVar aggregate classification (germline): Conflicting classifications of pathogenicity. Review status: criteria provided, conflicting classifications (1 of 4 stars). 4 submissions from 1 submitter: Uncertain significance (3); Likely benign (1). Last evaluated 2018-01-12.

Conditions:
Jervell and Lange-Nielsen syndrome 1 (JLNS1). Also called: CARDIOAUDITORY SYNDROME OF JERVELL AND LANGE-NIELSEN; DEAFNESS, CONGENITAL, AND FUNCTIONAL HEART DISEASE; PROLONGED QT INTERVAL IN EKG AND SUDDEN DEATH; SURDO-CARDIAC SYNDROME. Identifiers: Orphanet 768, Orphanet 90647, MedGen C4551509, MONDO:0024540, OMIM 220400.
Short QT syndrome type 2. Identifiers: Orphanet 51083, MedGen C1865019, MONDO:0012313, OMIM 609621.
Long QT syndrome 1 (LQT1). Identifiers: Orphanet 101016, Orphanet 768, MedGen C4551647, MONDO:0100316, OMIM 192500, MONDO:0008646.
Atrial fibrillation, familial, 3 (ATFB3). Identifiers: MedGen C1837014, MONDO:0011857, OMIM 607554.

Allele frequency attached by ClinVar (database versions not stated): 1000 Genomes Project 30x 0.00078; ExAC 0.00093; 1000 Genomes Project 0.00100; gnomAD exomes 0.00274 and 0.00315; gnomAD 0.00321 and 0.00329; TOPMed 0.00328.
gnomAD v4.1: 1,444 of 452,766 alleles (0.32%); highest among the groups gnomAD compares: Non-Finnish European, 0.48%; 1 homozygote.

Submissions (4):

Illumina Laboratory Services, Illumina
Classification: Uncertain significance for Long QT syndrome 1. Last evaluated: 2018-01-12. Review status: criteria provided, single submitter. Criteria: ICSL Variant Classification Criteria 13 December 2019. Collection method: clinical testing. Allele origin: germline.

Illumina Laboratory Services, Illumina
Classification: Likely benign for Short QT syndrome type 2. Last evaluated: 2018-01-12. Review status: criteria provided, single submitter. Criteria: ICSL Variant Classification Criteria 13 December 2019. Collection method: clinical testing. Allele origin: germline.
Comment: This variant was observed in the ICSL laboratory as part of a predisposition screen in an ostensibly healthy population. It had not been previously curated by ICSL or reported in the Human Gene Mutation Database (HGMD: prior to June 1st, 2018), and was therefore a candidate for classification through an automated scoring system. Utilizing variant allele frequency, disease prevalence and penetrance estimates, and inheritance mode, an automated score was calculated to assess if this variant is too frequent to cause the disease. Based on the score and internal cut-off values, a variant classified as likely benign is not then subjected to further curation. The score for this variant resulted in a classification of likely benign for this disease.

Illumina Laboratory Services, Illumina
Classification: Uncertain significance for Atrial fibrillation, familial, 3. Last evaluated: 2018-01-12. Review status: criteria provided, single submitter. Criteria: ICSL Variant Classification Criteria 13 December 2019. Collection method: clinical testing. Allele origin: germline.

Illumina Laboratory Services, Illumina
Classification: Uncertain significance for Jervell and Lange-Nielsen syndrome 1. Last evaluated: 2018-01-12. Review status: criteria provided, single submitter. Criteria: ICSL Variant Classification Criteria 13 December 2019. Collection method: clinical testing. Allele origin: germline.

NM_000218.3(KCNQ1):c.*717T>G

Genes: KCNQ1 (potassium voltage-gated channel subfamily Q member 1; plus strand), KCNQ1-AS1 (KCNQ1 antisense RNA 1; minus strand). Cytogenetic location: 11p15.4.
Variant type: single nucleotide variant.
Coding change: c.*717T>G on transcript NM_000218.3 (MANE Select); 717 bases downstream of the stop codon, T replaced by G.
Molecular consequence: 3 prime UTR variant.
Genome position (GRCh38, 1-based): chr11:2,848,720, T>G. VCF-style: chr11-2848720-T-G. GRCh37 (hg19) VCF-style: chr11-2869950-T-G.
Other names: c.*717T>G (NM_001406836.1, NM_001406837.1, NM_001406838.1 and 2 more transcripts).
Identifiers: ClinVar variation 304257 (VCV000304257.8), dbSNP rs189162344, ClinGen allele CA040104.